The following is an entry in ClinVar:

NM_016222.4(DDX41):c.1099-5C>T

Gene: DDX41 (DEAD-box helicase 41; minus strand). Cytogenetic location: 5q35.3.
Variant type: single nucleotide variant.
Coding change: c.1099-5C>T on transcript NM_016222.4 (MANE Select); 5 bases into the intron before coding-DNA position 1099, C replaced by T.
Molecular consequence: intron variant.
Genome position (GRCh38, 1-based): chr5:177,513,489, G>A on the plus strand (C>T on the coding strand, the complement: DDX41 is on the minus strand). VCF-style: chr5-177513489-G-A. GRCh37 (hg19) VCF-style: chr5-176940490-G-A.
Other names: c.1099-5C>T (NM_016222.3); c.721-5C>T (NM_001321830.2, NM_001321732.2).
Identifiers: ClinVar variation 3838941 (VCV003838941.3).

ClinVar aggregate classification (germline): Likely benign. Review status: criteria provided, multiple submitters, no conflicts (2 of 4 stars). 2 submissions from 2 submitters: Likely benign (2). Last evaluated 2026-09-24.

Conditions:
DDX41-related disorder. Also called: DDX41-related condition.
Inborn genetic diseases. Identifiers: MedGen C0950123, MeSH D030342.

gnomAD v4.1: 2 of 1,614,132 alleles (0.00012%); highest among the groups gnomAD compares: African/African-American, 0.0013%; no homozygotes.

Submissions (2):

PreventionGenetics, part of Exact Sciences
Classification: Likely benign for DDX41-related condition. Last evaluated: 2026-09-24. Review status: criteria provided, single submitter. Criteria: ACMG Guidelines, 2015. Collection method: clinical testing. Allele origin: germline.
Comment: This variant is classified as likely benign based on ACMG/AMP sequence variant interpretation guidelines (Richards et al. 2015 PMID: 25741868, with internal and published modifications).

Ambry Genetics
Classification: Likely benign for Inborn genetic diseases. Last evaluated: 2026-04-28. Review status: criteria provided, single submitter. Criteria: Ambry Variant Classification Scheme 2023. Collection method: clinical testing. Allele origin: germline.